The following is an entry in ClinVar:

NM_005618.4(DLL1):c.577dup (p.Arg193fs)

Gene: DLL1 (delta like canonical Notch ligand 1; minus strand). Cytogenetic location: 6q27.
Variant type: Duplication.
Coding change: c.577dup on transcript NM_005618.4 (MANE Select); coding-DNA position 577, one base duplicated (C; older notation c.577dupC).
Protein change: p.Arg193fs; shifts the reading frame from arginine 193.
Molecular consequence: frameshift variant.
Genome position (GRCh38, 1-based): chr6:170,288,332, G duplicated on the plus strand (C on the coding strand, the reverse complement: DLL1 is on the minus strand); the first of 2 consecutive G bases (chr6:170,288,332-170,288,333); duplicating either gives the same sequence. VCF-style (leftmost placement, unchanged base first): chr6-170288331-C-CG. GRCh37 (hg19) VCF-style: chr6-170597419-C-CG.
Other names: short protein forms R193fs.
Identifiers: ClinVar variation 2583043 (VCV002583043.25), dbSNP rs2483358114, ClinGen allele CA2582341720.

ClinVar aggregate classification (germline): Pathogenic (1 of 4 stars; one submission).

Submission:

CeGaT Center for Human Genetics Tuebingen
Classification: Pathogenic. Last evaluated: 2023-09-01. Review status: criteria provided, single submitter. Criteria: CeGaT Center For Human Genetics Tuebingen Variant Classification Criteria Version 2. Collection method: clinical testing. Allele origin: germline. Affected: yes. Observed: 1 variant allele.
Comment: DLL1: PS2, PVS1:Strong, PM2